The following is an entry in ClinVar:

NM_001277115.2(DNAH11):c.7897A>G (p.Ile2633Val)

Gene: DNAH11 (dynein axonemal heavy chain 11; plus strand). Cytogenetic location: 7p15.3.
Variant type: single nucleotide variant.
Coding change: c.7897A>G on transcript NM_001277115.2 (MANE Select); coding-DNA position 7897, A replaced by G.
Protein change: p.Ile2633Val; replaces isoleucine 2633 with valine.
Molecular consequence: missense variant.
Genome position (GRCh38, 1-based): chr7:21,739,656, A>G. VCF-style: chr7-21739656-A-G. GRCh37 (hg19) VCF-style: chr7-21779274-A-G.
Other names: short protein forms I2633V.
Identifiers: ClinVar variation 1011784 (VCV001011784.9), dbSNP rs1583647020, ClinGen allele CA366950959.

ClinVar aggregate classification (germline): Uncertain significance (1 of 4 stars; one submission).

Conditions:
Primary ciliary dyskinesia. Also called: Ciliary dyskinesia. Identifiers: Orphanet 244, MedGen C0008780, MONDO:0016575, HP:0012265.

Submission:

Labcorp Genetics (formerly Invitae), Labcorp
Classification: Uncertain significance for Primary ciliary dyskinesia. Last evaluated: 2022-11-22. Review status: criteria provided, single submitter. Criteria: Invitae Variant Classification Sherloc (09022015). Collection method: clinical testing. Allele origin: germline.
Comment: Advanced modeling of protein sequence and biophysical properties (such as structural, functional, and spatial information, amino acid conservation, physicochemical variation, residue mobility, and thermodynamic stability) performed at Invitae indicates that this missense variant is not expected to disrupt DNAH11 protein function. ClinVar contains an entry for this variant (Variation ID: 1011784). This variant has not been reported in the literature in individuals affected with DNAH11-related conditions. This variant is not present in population databases (gnomAD no frequency). This sequence change replaces isoleucine, which is neutral and non-polar, with valine, which is neutral and non-polar, at codon 2633 of the DNAH11 protein (p.Ile2633Val). In summary, the available evidence is currently insufficient to determine the role of this variant in disease. Therefore, it has been classified as a Variant of Uncertain Significance.